The following is an entry in ClinVar:

NM_001122659.3(EDNRB):c.167A>C (p.Lys56Thr)

Gene: EDNRB (endothelin receptor type B; minus strand). Cytogenetic location: 13q22.3.
Variant type: single nucleotide variant.
Coding change: c.167A>C on transcript NM_001122659.3 (MANE Select); coding-DNA position 167, A replaced by C.
Protein change: p.Lys56Thr; replaces lysine 56 with threonine.
Molecular consequence: missense variant.
Genome position (GRCh38, 1-based): chr13:77,918,407, T>G on the plus strand (A>C on the coding strand, the complement: EDNRB is on the minus strand). VCF-style: chr13-77918407-T-G. GRCh37 (hg19) VCF-style: chr13-78492542-T-G.
Other names: c.167A>C (NM_000115.3, NM_000115.4); c.167A>C, p.Lys56Thr (NM_000115.5, NM_003991.4); c.437A>C, p.Lys146Thr (NM_001201397.2); short protein forms K56T, K146T.
Identifiers: ClinVar variation 2137534 (VCV002137534.6), dbSNP rs763764641, ClinGen allele CA7012387.

ClinVar aggregate classification (germline): Uncertain significance. Review status: criteria provided, multiple submitters, no conflicts (2 of 4 stars). 3 submissions from 3 submitters: Uncertain significance (3). Last evaluated 2026-07-27.

Conditions:
EDNRB-related disorder. Also called: EDNRB-related condition; EDNRB-related disorders.

Allele frequency attached by ClinVar (database versions not stated): gnomAD exomes below 0.00001; gnomAD 0.00001; ExAC 0.00003; TOPMed 0.00003.
gnomAD v4.1: 9 of 1,596,774 alleles (0.00056%); highest among the groups gnomAD compares: Admixed American, 0.0086%; no homozygotes.

Submissions (3):

PreventionGenetics, part of Exact Sciences
Classification: Uncertain significance for EDNRB-related condition. Last evaluated: 2026-07-27. Review status: criteria provided, single submitter. Criteria: ACMG Guidelines, 2015. Collection method: clinical testing. Allele origin: germline.
Comment: The EDNRB c.167A>C variant is predicted to result in the amino acid substitution p.Lys56Thr. This variant was reported in an individual with Hirschsprung disease (Sánchez-Mejías et al. 2010. PubMed ID: 20009762). This variant is reported in 0.0091% of alleles in individuals of Latino descent in gnomAD. At this time, the clinical significance of this variant is uncertain due to the absence of conclusive functional and genetic evidence.

Labcorp Genetics (formerly Invitae), Labcorp
Classification: Uncertain significance. Last evaluated: 2025-04-14. Review status: criteria provided, single submitter. Criteria: Invitae Variant Classification Sherloc (09022015). Collection method: clinical testing. Allele origin: germline.
Comment: This sequence change replaces lysine, which is basic and polar, with threonine, which is neutral and polar, at codon 56 of the EDNRB protein (p.Lys56Thr). This variant is present in population databases (rs763764641, gnomAD 0.009%). This missense change has been observed in individual(s) with Hirschsprung disease (PMID: 20009762). ClinVar contains an entry for this variant (Variation ID: 2137534). An algorithm developed to predict the effect of missense changes on protein structure and function outputs the following: PolyPhen-2: "Benign". The threonine amino acid residue is found in multiple mammalian species, which suggests that this missense change does not adversely affect protein function. In summary, the available evidence is currently insufficient to determine the role of this variant in disease. Therefore, it has been classified as a Variant of Uncertain Significance.

GeneDx
Classification: Uncertain significance. Last evaluated: 2023-11-10. Review status: criteria provided, single submitter. Criteria: GeneDx Variant Classification Process June 2021. Collection method: clinical testing. Allele origin: germline. Affected: yes.
Comment: Observed as heterozygous in a patient with Hirschprung disease in published literature (PMID: 20009762); In silico analysis supports that this missense variant does not alter protein structure/function; This variant is associated with the following publications: (PMID: 20009762)

Literature cited by the submitters: PubMed 20009762 (cited by Labcorp Genetics (formerly Invitae), Labcorp).